The following is an entry in ClinVar:

ClinVar aggregate classification (germline): Likely pathogenic. Review status: criteria provided, multiple submitters, no conflicts (2 of 4 stars). 5 submissions from 5 submitters: Likely pathogenic (4). 1 of the submissions does not count toward it. Last evaluated 2026-07-02.

Conditions:
Deficiency of alpha-mannosidase (MANSA). Also called: LYSOSOMAL ALPHA-D-MANNOSIDASE DEFICIENCY; Alpha-Mannosidosis; Mannosidosis, alpha-, types I and II. Identifiers: Orphanet 61, MedGen C0024748, MONDO:0009561, OMIM 248500.

Allele frequency attached by ClinVar (database versions not stated): gnomAD 0.00001; TOPMed 0.00002.
gnomAD v4.1: 32 of 1,614,026 alleles (0.002%); highest among the groups gnomAD compares: Non-Finnish European, 0.0027%; no homozygotes.

Submissions (5):

Myriad Genetics, Inc.
Classification: Likely pathogenic for Deficiency of alpha-mannosidase. Last evaluated: 2026-07-02. Review status: criteria provided, single submitter. Criteria: Myriad Autosomal Dominant, Autosomal Recessive and X-Linked Classification Criteria (2023). Collection method: clinical testing. Allele origin: unknown.
Comment: NM_000528.3(MAN2B1):c.222C>A(D74E) is a missense variant classified as likely pathogenic in the context of alpha-mannosidosis. D74E has been observed in a case with relevant disease (PMID: 22161967). Relevant functional assessments of this variant are available in the literature (PMID: 21505070, 22161967, 25762455). Internal structural analysis of the variant is supportive of pathogenicity. D74E has been observed in referenced population frequency databases. In summary, NM_000528.3(MAN2B1):c.222C>A(D74E) is a missense variant that has both functional and internal structural support for pathogenicity and has been observed more frequently in cases with the relevant disease than in healthy populations. Please note: this variant was assessed in the context of healthy population screening.

GeneDx
Classification: Likely pathogenic. Last evaluated: 2025-03-11. Review status: criteria provided, single submitter. Criteria: GeneDx Variant Classification Process June 2021. Collection method: clinical testing. Allele origin: germline. Affected: yes.
Comment: Published functional studies demonstrate a damaging effect (absent alpha-mannosidase activity) (PMID: 22161967); In silico analysis supports that this missense variant has a deleterious effect on protein structure/function; Not observed at significant frequency in large population cohorts (gnomAD); This variant is associated with the following publications: (PMID: 21505070, Mandl2024[Computational], 31775018, 38107468, 39976451, 22161967)

Baylor Genetics
Classification: Likely pathogenic for Deficiency of alpha-mannosidase. Last evaluated: 2024-01-06. Review status: criteria provided, single submitter. Criteria: ACMG Guidelines, 2015. Collection method: clinical testing. Allele origin: unknown.

Women's Health and Genetics/Laboratory Corporation of America, LabCorp
Classification: Likely pathogenic for Deficiency of alpha-mannosidase. Last evaluated: 2023-03-16. Review status: criteria provided, single submitter. Criteria: LabCorp Variant Classification Summary - May 2015. Collection method: clinical testing. Allele origin: germline.
Comment: Variant summary: MAN2B1 c.222C>A (p.Asp74Glu) results in a conservative amino acid change located in the Glycoside hydrolase family 38, N-terminal domain (IPR000602) of the encoded protein sequence. Four of five in-silico tools predict a damaging effect of the variant on protein function. The variant allele was found at a frequency of 2e-05 in 251662 control chromosomes (gnomAD and publication data). c.222C>A has been reported in the literature in individuals affected with Alpha-Mannosidosis or suspected mitochondrial disorders (Riise Stensland_2012, Lieber_2013). These data indicate that the variant is very likely to be associated with disease. Functional studies reported this variant has dramatically reduced alpha-mannosidase activity in transfected cells and was both proteolytically processed and extracellularly secreted, but less efficiently than the wild-type (Kuokkanen_2011, Riise Stensland_2012, Riise Stensland_2015). One ClinVar submitter (evaluation after 2014) cites this variant as pathogenic. Based on the evidence outlined above, the variant was classified as likely pathogenic.

ClinVar Staff, National Center for Biotechnology Information (NCBI)
Classification: Uncertain significance for Deficiency of alpha-mannosidase. Last evaluated: 2012-06-07. Review status: no assertion criteria provided. Collection method: literature only. Allele origin: germline. Affected: yes. Not counted in ClinVar's aggregate classification.

Literature cited by the submitters: PubMed 21505070 (cited by Myriad Genetics, Inc. and Women's Health and Genetics/Laboratory Corporation of America, LabCorp); PubMed 22161967 (cited by 3 submitters); PubMed 25762455 (cited by Myriad Genetics, Inc. and Women's Health and Genetics/Laboratory Corporation of America, LabCorp); PubMed 23596069 (cited by Women's Health and Genetics/Laboratory Corporation of America, LabCorp).

NM_000528.4(MAN2B1):c.222C>A (p.Asp74Glu)

Gene: MAN2B1 (mannosidase alpha class 2B member 1; minus strand). Cytogenetic location: 19p13.13.
Variant type: single nucleotide variant.
Coding change: c.222C>A on transcript NM_000528.4 (MANE Select); coding-DNA position 222, C replaced by A.
Protein change: p.Asp74Glu; replaces aspartic acid 74 with glutamic acid.
Molecular consequence: missense variant.
Genome position (GRCh38, 1-based): chr19:12,665,743, G>T on the plus strand (C>A on the coding strand, the complement: MAN2B1 is on the minus strand). VCF-style: chr19-12665743-G-T. GRCh37 (hg19) VCF-style: chr19-12776557-G-T.
Other names: c.222C>A, p.Asp74Glu (NM_001173498.2); short protein forms D74E.
Identifiers: ClinVar variation 208251 (VCV000208251.9), dbSNP rs746702002, ClinGen allele CA350959.